The following is an entry in ClinVar:

NM_006118.4(HAX1):c.635C>T (p.Ser212Phe)

Gene: HAX1 (HCLS1 associated protein X-1; plus strand). Cytogenetic location: 1q21.3.
Variant type: single nucleotide variant.
Coding change: c.635C>T on transcript NM_006118.4 (MANE Select); coding-DNA position 635, C replaced by T.
Protein change: p.Ser212Phe; replaces serine 212 with phenylalanine.
Molecular consequence: missense variant.
Genome position (GRCh38, 1-based): chr1:154,275,232, C>T. VCF-style: chr1-154275232-C-T. GRCh37 (hg19) VCF-style: chr1-154247708-C-T.
Other names: c.491C>T, p.Ser164Phe (NM_001018837.2); short protein forms S164F, S212F.
Identifiers: ClinVar variation 5022573 (VCV005022573.1).
Genomic context (GRCh38, chr1:154,275,232, plus strand): 5'-CCCAGGAGGGTCTTGGCCCGGTTCTACAGCCCCAGCCCAAATCCTATTTCAAGAGCATCT[C>T]TGTGACCAAGATCACTAAACCAGATGGGGTGAGTTGAAAGAAAGAGGTAAAGGAAAGTAT-3'
Protein context (NP_006109.2, residues 202-222): PQPKSYFKSI[Ser212Phe]VTKITKPDGI

ClinVar aggregate classification (germline): Uncertain significance (1 of 4 stars; one submission).

Conditions:
Inborn genetic diseases. Identifiers: MedGen C0950123, MeSH D030342.

gnomAD v4.1: 3 of 1,613,308 alleles (0.00019%); highest among the groups gnomAD compares: Non-Finnish European, 0.00025%; no homozygotes.

Submission:

Ambry Genetics
Classification: Uncertain significance for Inborn genetic diseases. Last evaluated: 2026-07-04. Review status: criteria provided, single submitter. Criteria: Ambry Variant Classification Scheme 2023. Collection method: clinical testing. Allele origin: germline.
Comment: The p.S212F variant (also known as c.635C>T), located in coding exon 5 of the HAX1 gene, results from a C to T substitution at nucleotide position 635. The serine at codon 212 is replaced by phenylalanine, an amino acid with highly dissimilar properties. This amino acid position is conserved. In addition, the in silico prediction for this alteration is inconclusive. Based on the available evidence, the clinical significance of this variant remains unclear.